The following is an entry in ClinVar:

NM_000179.3(MSH6):c.3335A>C (p.Asp1112Ala)

Gene: MSH6 (mutS homolog 6; plus strand). Cytogenetic location: 2p16.3.
Variant type: single nucleotide variant.
Coding change: c.3335A>C on transcript NM_000179.3 (MANE Select); coding-DNA position 3335, A replaced by C.
Protein change: p.Asp1112Ala; replaces aspartic acid 1112 with alanine.
Molecular consequence: missense variant.
Genome position (GRCh38, 1-based): chr2:47,803,582, A>C. VCF-style: chr2-47803582-A-C. GRCh37 (hg19) VCF-style: chr2-48030721-A-C.
Other names: c.2945A>C, p.Asp982Ala (NM_001281492.2); c.2429A>C, p.Asp810Ala (NM_001281493.2, NM_001281494.2, NM_001406811.1 and 6 more transcripts); c.3431A>C, p.Asp1144Ala (NM_001406795.1, NM_001406802.1); c.3335A>C, p.Asp1112Ala (NM_001406796.1, NM_001406800.1, NM_001406808.1 and 1 more transcripts); c.3038A>C, p.Asp1013Ala (NM_001406797.1, NM_001406801.1, NM_001406805.1 and 10 more transcripts); c.2810A>C, p.Asp937Ala (NM_001406799.1, NM_001406806.1, NM_001406807.1); c.2471A>C, p.Asp824Ala (NM_001406803.1); c.3257A>C, p.Asp1086Ala (NM_001406804.1); and 6 more; short protein forms D427A, D937A, D1013A, D1086A, D39A, D824A, D1056A, D1114A.
Identifiers: ClinVar variation 1730346 (VCV001730346.2), dbSNP rs1165839059, ClinGen allele CA346758728.
Genomic context (GRCh38, chr2:47,803,582, plus strand): 5'-AAGGATCACGCCATCCTTGCATTACGAAGACTTTTTTTGGAGATGATTTTATTCCTAATG[A>C]CATTCTAATAGGCTGTGAGGAAGAGGAGCAGGAAAATGGCAAAGCCTATTGTGTGCTTGT-3'
Protein context (NP_000170.1, residues 1102-1122): TFFGDDFIPN[Asp1112Ala]ILIGCEEEEQ

ClinVar aggregate classification (germline): Uncertain significance (1 of 4 stars; one submission).

Conditions:
Hereditary cancer-predisposing syndrome. Also called: Neoplastic Syndromes, Hereditary; Tumor predisposition; Hereditary Cancer Syndrome; Hereditary neoplastic syndrome. Identifiers: Orphanet 140162, MedGen C0027672, MeSH D009386, MONDO:0015356.

Submission:

Ambry Genetics
Classification: Uncertain significance for Hereditary cancer-predisposing syndrome. Last evaluated: 2019-07-22. Review status: criteria provided, single submitter. Criteria: Ambry Variant Classification Scheme 2023. Collection method: clinical testing. Allele origin: germline.
Comment: The p.D1112A variant (also known as c.3335A>C), located in coding exon 5 of the MSH6 gene, results from an A to C substitution at nucleotide position 3335. The aspartic acid at codon 1112 is replaced by alanine, an amino acid with dissimilar properties. This amino acid position is well conserved in available vertebrate species. In addition, this alteration is predicted to be deleterious by in silico analysis. Since supporting evidence is limited at this time, the clinical significance of this alteration remains unclear.